The following is an entry in ClinVar:

NC_000001.10:g.(?_173883671)_(173886568_?)del

Gene: SERPINC1 (serpin family C member 1; minus strand). Cytogenetic location: 1q25.1.
Variant type: Deletion.
Identifiers: ClinVar variation 3247683 (VCV003247683.1).

ClinVar aggregate classification (germline): Pathogenic (1 of 4 stars; one submission).

Conditions:
Hereditary antithrombin deficiency (AT3D). Also called: Reduced antithrombin III activity; Antithrombin III deficiency; Thrombophilia due to antithrombin III deficiency; Antithrombin deficiency. Identifiers: Orphanet 82, MedGen C0272375, MONDO:0013144, OMIM 613118, HP:0001976.

Submission:

Labcorp Genetics (formerly Invitae), Labcorp
Classification: Pathogenic for Hereditary antithrombin deficiency. Last evaluated: 2023-12-02. Review status: criteria provided, single submitter. Criteria: Invitae Variant Classification Sherloc (09022015). Collection method: clinical testing. Allele origin: unknown.
Comment: This variant is a gross deletion of the genomic region encompassing exon(s) 1-2 of the SERPINC1 gene, which includes the initiator codon. This deletion extends beyond the assayed region for this gene and therefore may encompass additional genes. It is expected to result in an absent or disrupted protein product. Loss-of-function variants in SERPINC1 are known to be pathogenic (PMID: 21264449). A similar copy number variant has been observed in individual(s) with antithrombin deficiency (PMID: 16956830, 35218943). For these reasons, this variant has been classified as Pathogenic.

Literature cited by the submitters: PubMed 21264449; PubMed 16956830; PubMed 35218943.